The following is an entry in ClinVar:

NM_000548.5(TSC2):c.2545A>T (p.Thr849Ser)

Gene: TSC2 (TSC complex subunit 2; plus strand). Cytogenetic location: 16p13.3.
Variant type: single nucleotide variant.
Coding change: c.2545A>T on transcript NM_000548.5 (MANE Select); coding-DNA position 2545, A replaced by T.
Protein change: p.Thr849Ser; replaces threonine 849 with serine.
Molecular consequence: missense variant. On other transcripts: non-coding transcript variant (5).
Genome position (GRCh38, 1-based): chr16:2,074,389, A>T. VCF-style: chr16-2074389-A-T. GRCh37 (hg19) VCF-style: chr16-2124390-A-T.
Other names: c.2545A>T, p.Thr849Ser (NM_001077183.3, NM_001114382.3, NM_001363528.2 and 6 more transcripts); c.2434A>T, p.Thr812Ser (NM_001318827.2, NM_001406670.1, NM_001406678.1); c.2398A>T, p.Thr800Ser (NM_001318829.2, NM_001406675.1, NM_001406676.1 and 1 more transcripts); c.1945A>T, p.Thr649Ser (NM_001318831.2, NM_001406680.1, NM_001406682.1 and 6 more transcripts); c.2578A>T, p.Thr860Ser (NM_001318832.2); c.2635A>T, p.Thr879Ser (NM_001406667.1, NM_001406668.1); c.2533A>T, p.Thr845Ser (NM_001406671.1, NM_001406673.1); c.2488A>T, p.Thr830Ser (NM_001406677.1); and 3 more; short protein forms T800S, T812S, T845S, T860S, T695S, T830S, T849S, T879S.
Identifiers: ClinVar variation 2837249 (VCV002837249.3), dbSNP rs781713438, ClinGen allele CA039666.

ClinVar aggregate classification (germline): Uncertain significance (1 of 4 stars; one submission).

Conditions:
Tuberous sclerosis 2 (TSC2). Identifiers: Orphanet 805, MedGen C1860707, MONDO:0013199, OMIM 613254.

Allele frequency attached by ClinVar (database versions not stated): ExAC 0.00001.
gnomAD v4.1: 1 of 1,610,086 alleles (0.000062%); highest among the groups gnomAD compares: Non-Finnish European, 0.000085%; no homozygotes.

Submission:

Labcorp Genetics (formerly Invitae), Labcorp
Classification: Uncertain significance for Tuberous sclerosis 2. Last evaluated: 2023-02-14. Review status: criteria provided, single submitter. Criteria: Invitae Variant Classification Sherloc (09022015). Collection method: clinical testing. Allele origin: germline.
Comment: This sequence change replaces threonine, which is neutral and polar, with serine, which is neutral and polar, at codon 849 of the TSC2 protein (p.Thr849Ser). This variant is present in population databases (rs781713438, gnomAD 0.0009%). This variant has not been reported in the literature in individuals affected with TSC2-related conditions. Algorithms developed to predict the effect of missense changes on protein structure and function (SIFT, PolyPhen-2, Align-GVGD) all suggest that this variant is likely to be tolerated. In summary, the available evidence is currently insufficient to determine the role of this variant in disease. Therefore, it has been classified as a Variant of Uncertain Significance.